The following is an entry in ClinVar:

ClinVar aggregate classification (germline): Uncertain significance (1 of 4 stars; one submission).

Conditions:
Inborn genetic diseases. Identifiers: MedGen C0950123, MeSH D030342.

Submission:

Ambry Genetics
Classification: Uncertain significance for Inborn genetic diseases. Last evaluated: 2020-10-12. Review status: criteria provided, single submitter. Criteria: Ambry Variant Classification Scheme 2023. Collection method: clinical testing. Allele origin: germline.
Comment: The p.T2548A variant (also known as c.7642A>G), located in coding exon 28 of the WNK1 gene, results from an A to G substitution at nucleotide position 7642. The threonine at codon 2548 is replaced by alanine, an amino acid with similar properties. This amino acid position is highly conserved in available vertebrate species. In addition, this alteration is predicted to be tolerated by in silico analysis. Since supporting evidence is limited at this time, the clinical significance of this alteration remains unclear.

NM_018979.4(WNK1):c.6886A>G (p.Thr2296Ala)

Gene: WNK1 (WNK lysine deficient protein kinase 1; plus strand). Cytogenetic location: 12p13.33.
Variant type: single nucleotide variant.
Coding change: c.6886A>G on transcript NM_018979.4 (MANE Select); coding-DNA position 6886, A replaced by G.
Protein change: p.Thr2296Ala; replaces threonine 2296 with alanine.
Molecular consequence: missense variant.
Genome position (GRCh38, 1-based): chr12:908,529, A>G. VCF-style: chr12-908529-A-G. GRCh37 (hg19) VCF-style: chr12-1017695-A-G.
Other names: c.7666A>G, p.Thr2556Ala (NM_001184985.2); c.6142A>G, p.Thr2048Ala (NM_014823.3); c.7642A>G, p.Thr2548Ala (NM_213655.5); short protein forms T2048A, T2556A, T2296A, T2548A.
Identifiers: ClinVar variation 1759948 (VCV001759948.2), dbSNP rs2498097294, ClinGen allele CA383340862.
Genomic context (GRCh38, chr12:908,529, plus strand): 5'-TTTCAGGGCCCTGGAATGGCAAGGAAGTTCTCTGCACCTGGGCAACTGTGCATCTCCATG[A>G]CCTCGAACCTGGGTGGCTCTGCCCCCATCTCTGCAGCATCAGCTACCTCTCTAGGTCACT-3'
Protein context (NP_061852.3, residues 2286-2306): SAPGQLCISM[Thr2296Ala]SNLGGSAPIS